The following is an entry in ClinVar:

NM_000218.3(KCNQ1):c.1394-5515T>C

Genes: KCNQ1 (potassium voltage-gated channel subfamily Q member 1; plus strand), KCNQ1OT1 (KCNQ1 opposite strand/antisense transcript 1; minus strand). Cytogenetic location: 11p15.5.
Variant type: single nucleotide variant.
Coding change: c.1394-5515T>C on transcript NM_000218.3 (MANE Select); 5515 bases into the intron before coding-DNA position 1394, T replaced by C.
Molecular consequence: intron variant.
Genome position (GRCh38, 1-based): chr11:2,656,446, T>C. VCF-style: chr11-2656446-T-C. GRCh37 (hg19) VCF-style: chr11-2677676-T-C.
Other names: c.1124-5515T>C (NM_001406837.1); c.1298-5515T>C (NM_001406836.1); c.854-5515T>C (NM_001406838.1); c.1013-5515T>C (NM_181798.2).
Identifiers: ClinVar variation 1711295 (VCV001711295.30), dbSNP rs149039886, ClinGen allele CA216166824.

ClinVar aggregate classification (germline): Likely benign (1 of 4 stars; one submission).

Allele frequency attached by ClinVar (database versions not stated): 1000 Genomes Project 30x 0.00141; 1000 Genomes Project 0.00160; gnomAD 0.00366; TOPMed 0.00397.
gnomAD v4.1: 1,567 of 398,682 alleles (0.39%); highest among the groups gnomAD compares: Non-Finnish European, 0.58%; 5 homozygotes.

Submission:

CeGaT Center for Human Genetics Tuebingen
Classification: Likely benign. Last evaluated: 2026-09-01. Review status: criteria provided, single submitter. Criteria: CeGaT Center For Human Genetics Tuebingen Variant Classification Criteria Version 2. Collection method: clinical testing. Allele origin: germline. Affected: yes. Observed: 40 variant alleles.
Comment: KCNQ1OT1: BS2